The following is an entry in ClinVar:

ClinVar aggregate classification (germline): Uncertain significance (1 of 4 stars; one submission).

Submission:

Ambry Genetics
Classification: Uncertain significance. Last evaluated: 2024-12-06. Review status: criteria provided, single submitter. Criteria: Ambry Variant Classification Scheme 2023. Collection method: clinical testing. Allele origin: germline.
Comment: The p.A138P variant (also known as c.412G>C), located in coding exon 1 of the WNK2 gene, results from a G to C substitution at nucleotide position 412. The alanine at codon 138 is replaced by proline, an amino acid with highly similar properties. This amino acid position is conserved. In addition, this alteration is predicted to be tolerated by in silico analysis. Based on the available evidence, the clinical significance of this variant remains unclear.

NM_006648.4(WNK2):c.412G>C (p.Ala138Pro)

Gene: WNK2 (WNK lysine deficient protein kinase 2; plus strand). Cytogenetic location: 9q22.31.
Variant type: single nucleotide variant.
Coding change: c.412G>C on transcript NM_006648.4 (MANE Select); coding-DNA position 412, G replaced by C.
Protein change: p.Ala138Pro; replaces alanine 138 with proline.
Molecular consequence: missense variant.
Genome position (GRCh38, 1-based): chr9:93,185,341, G>C. VCF-style: chr9-93185341-G-C. GRCh37 (hg19) VCF-style: chr9-95947623-G-C.
Other names: c.412G>C, p.Ala138Pro (NM_001282394.3); short protein forms A138P.
Identifiers: ClinVar variation 3470615 (VCV003470615.1).